The following is an entry in ClinVar:

ClinVar aggregate classification (germline): Uncertain significance. Review status: criteria provided, multiple submitters, no conflicts (2 of 4 stars). 3 submissions from 3 submitters: Uncertain significance (3). Last evaluated 2024-04-28.

Conditions:
Senior-Loken syndrome 6 (SLSN6). Identifiers: Orphanet 3156, MedGen C1857779, MONDO:0012433, OMIM 610189.
Bardet-Biedl syndrome 14 (BBS14). Identifiers: Orphanet 110, MedGen C2673874, MONDO:0014442, OMIM 615991.
Joubert syndrome 5 (JBTS5). Identifiers: Orphanet 2318, MedGen C1857780, MONDO:0012432, OMIM 610188.
Leber congenital amaurosis 10 (LCA10). Identifiers: Orphanet 65, MedGen C1857821, MONDO:0012723, OMIM 611755.
Meckel syndrome, type 4 (MKS4). Also called: MECKEL-GRUBER SYNDROME, TYPE 4. Identifiers: Orphanet 564, MedGen C1970161, MONDO:0012626, OMIM 611134.
Joubert syndrome. Also called: Familial aplasia of the vermis; JOUBERT-BOLTSHAUSER SYNDROME. Identifiers: Orphanet 475, MedGen C5979921, MONDO:0018772.
Meckel-Gruber syndrome. Also called: DYSENCEPHALIA SPLANCHNOCYSTICA; Dysencephalia splachnocystica; GRUBER SYNDROME. Identifiers: Orphanet 564, MedGen C0265215, MONDO:0018921.
Nephronophthisis. Also called: Juvenile Nephronophthisis. Identifiers: Orphanet 655, MedGen C0687120, MONDO:0019005, HP:0000090.

Allele frequency attached by ClinVar (database versions not stated): gnomAD exomes 0.00001.
gnomAD v4.1: 14 of 1,596,332 alleles (0.00088%); highest among the groups gnomAD compares: Non-Finnish European, 0.0012%; no homozygotes.

Submissions (3):

Fulgent Genetics
Classification: Uncertain significance for Joubert syndrome 5; Senior-Loken syndrome 6; Meckel syndrome, type 4; Leber congenital amaurosis 10; Bardet-Biedl syndrome 14. Last evaluated: 2024-04-28. Review status: criteria provided, single submitter. Criteria: ACMG Guidelines, 2015. Collection method: clinical testing. Allele origin: germline.

Labcorp Genetics (formerly Invitae), Labcorp
Classification: Uncertain significance for Joubert syndrome; Meckel-Gruber syndrome; Nephronophthisis. Last evaluated: 2021-11-25. Review status: criteria provided, single submitter. Criteria: Invitae Variant Classification Sherloc (09022015). Collection method: clinical testing. Allele origin: germline.
Comment: In summary, the available evidence is currently insufficient to determine the role of this variant in disease. Therefore, it has been classified as a Variant of Uncertain Significance. Algorithms developed to predict the effect of missense changes on protein structure and function are either unavailable or do not agree on the potential impact of this missense change (SIFT: "Tolerated"; PolyPhen-2: "Probably Damaging"; Align-GVGD: "Class C0"). This variant has not been reported in the literature in individuals affected with CEP290-related conditions. This variant is not present in population databases (gnomAD no frequency). This sequence change replaces glutamine, which is neutral and polar, with glutamic acid, which is acidic and polar, at codon 223 of the CEP290 protein (p.Gln223Glu).

Blueprint Genetics
Classification: Uncertain significance. Last evaluated: 2019-08-21. Review status: criteria provided, single submitter. Criteria: ACMG Guidelines, 2015. Collection method: clinical testing. Allele origin: germline.

NM_025114.4(CEP290):c.667C>G (p.Gln223Glu)

Gene: CEP290 (centrosomal protein 290; minus strand). Cytogenetic location: 12q21.32.
Variant type: single nucleotide variant.
Coding change: c.667C>G on transcript NM_025114.4 (MANE Select); coding-DNA position 667, C replaced by G.
Protein change: p.Gln223Glu; replaces glutamine 223 with glutamic acid.
Molecular consequence: missense variant.
Genome position (GRCh38, 1-based): chr12:88,130,270, G>C on the plus strand (C>G on the coding strand, the complement: CEP290 is on the minus strand). VCF-style: chr12-88130270-G-C. GRCh37 (hg19) VCF-style: chr12-88524047-G-C.
Other names: short protein forms Q223E.
Identifiers: ClinVar variation 1509480 (VCV001509480.8), dbSNP rs2138093804, ClinGen allele CA385986080.